The following is an entry in ClinVar:

ClinVar aggregate classification (germline): Likely pathogenic (1 of 4 stars; one submission).

Conditions:
ANK2-related disorder. Also called: ANK2-related condition.

Submission:

3billion
Classification: Likely pathogenic for ANK2-related disorder. Last evaluated: 2026-01-24. Review status: criteria provided, single submitter. Criteria: ACMG Guidelines, 2015. Collection method: clinical testing. Allele origin: germline. Affected: yes.
Comment: The variant is not observed in the gnomAD v4.1.0 dataset. Predicted Consequence/Location: Canonical splice site: predicted to alter splicing and result in a loss or disruption of normal protein function. Multiple pathogenic loss-of-function variants are reported downstream of the variant. In silico tools predict the variant to alter splicing and produce an abnormal transcript [SpliceAI: 0.99 (spliceogenicity >=0.2, non-spliceogenicity <0.1)]. Therefore, this variant is classified as Likely pathogenic according to the recommendation of ACMG/AMP guideline.

NM_001148.6(ANK2):c.10757-2A>G

Gene: ANK2 (ankyrin 2; plus strand). Cytogenetic location: 4q26.
Variant type: single nucleotide variant.
Coding change: c.10757-2A>G on transcript NM_001148.6 (MANE Select); the canonical splice acceptor site of the intron before coding-DNA position 10757, A replaced by G.
Molecular consequence: splice acceptor variant.
Genome position (GRCh38, 1-based): chr4:113,363,336, A>G. VCF-style: chr4-113363336-A-G. GRCh37 (hg19) VCF-style: chr4-114284492-A-G.
Other names: c.4487-2A>G (NM_001386186.2, NM_001386148.2); c.4289-2A>G (NM_001354269.3); c.4367-2A>G (NM_001386187.2); c.4328-2A>G (NM_001386147.1); c.4346-2A>G (NM_001386160.1); c.4451-2A>G (NM_001354254.2); c.4472-2A>G (NM_001354239.2, NM_001354252.2); c.4373-2A>G (NM_001354272.2); and 35 more.
Identifiers: ClinVar variation 4854707 (VCV004854707.1).